The following is an entry in ClinVar:

NM_178140.4(PDZD2):c.4274C>T (p.Thr1425Met)

Gene: PDZD2 (PDZ domain containing 2; plus strand). Cytogenetic location: 5p13.3.
Variant type: single nucleotide variant.
Coding change: c.4274C>T on transcript NM_178140.4 (MANE Select); coding-DNA position 4274, C replaced by T.
Protein change: p.Thr1425Met; replaces threonine 1425 with methionine.
Molecular consequence: missense variant.
Genome position (GRCh38, 1-based): chr5:32,087,722, C>T. VCF-style: chr5-32087722-C-T. GRCh37 (hg19) VCF-style: chr5-32087828-C-T.
Other names: short protein forms T1425M.
Identifiers: ClinVar variation 3044862 (VCV003044862.2), dbSNP rs36097367, ClinGen allele CA3219691.

ClinVar aggregate classification (germline): Benign (0 of 4 stars; one submission).

Conditions:
PDZD2-related disorder. Also called: PDZD2-related condition.

Allele frequency attached by ClinVar (database versions not stated): ExAC 0.01180; gnomAD 0.03469; 1000 Genomes Project 0.03654; TOPMed 0.03889; 1000 Genomes Project 30x 0.03935; ESP Exome Variant Server 0.04090.
gnomAD v4.1: 10,384 of 1,613,884 alleles (0.64%); highest among the groups gnomAD compares: African/African-American, 12%; 582 homozygotes.

Submission:

PreventionGenetics, part of Exact Sciences
Classification: Benign for PDZD2-related condition. Last evaluated: 2020-01-03. Review status: no assertion criteria provided. Collection method: clinical testing. Allele origin: germline.
Comment: This variant is classified as benign based on ACMG/AMP sequence variant interpretation guidelines (Richards et al. 2015 PMID: 25741868, with internal and published modifications).